The following is an entry in ClinVar:

NM_002582.4(PARN):c.1019A>G (p.Asn340Ser)

Gene: PARN (poly(A)-specific ribonuclease; minus strand). Cytogenetic location: 16p13.12.
Variant type: single nucleotide variant.
Coding change: c.1019A>G on transcript NM_002582.4 (MANE Select); coding-DNA position 1019, A replaced by G.
Protein change: p.Asn340Ser; replaces asparagine 340 with serine.
Molecular consequence: missense variant.
Genome position (GRCh38, 1-based): chr16:14,584,409, T>C on the plus strand (A>G on the coding strand, the complement: PARN is on the minus strand). VCF-style: chr16-14584409-T-C. GRCh37 (hg19) VCF-style: chr16-14678266-T-C.
Other names: c.836A>G, p.Asn279Ser (NM_001134477.3); c.881A>G, p.Asn294Ser (NM_001242992.2); short protein forms N340S, N279S, N294S.
Identifiers: ClinVar variation 1450159 (VCV001450159.8), dbSNP rs768793595, ClinGen allele CA7912187.

ClinVar aggregate classification (germline): Uncertain significance (1 of 4 stars; one submission).

Conditions:
Dyskeratosis congenita, autosomal recessive 6 (DKCB6). Identifiers: MedGen C4225356, MONDO:0014600, OMIM 616353.
Pulmonary fibrosis and/or bone marrow failure, Telomere-related, 4. Also called: PULMONARY FIBROSIS AND/OR BONE MARROW FAILURE SYNDROME, TELOMERE-RELATED, 4. Identifiers: Orphanet 2032, MedGen C4225347, MONDO:0014612, OMIM 616371.

Allele frequency attached by ClinVar (database versions not stated): TOPMed below 0.00001; ExAC 0.00001; gnomAD 0.00001; gnomAD exomes 0.00001.
gnomAD v4.1: 12 of 1,612,560 alleles (0.00074%); highest among the groups gnomAD compares: Non-Finnish European, 0.00093%; no homozygotes.

Submission:

Labcorp Genetics (formerly Invitae), Labcorp
Classification: Uncertain significance for Dyskeratosis congenita, autosomal recessive 6; Pulmonary fibrosis and/or bone marrow failure, Telomere-related, 4. Last evaluated: 2023-01-15. Review status: criteria provided, single submitter. Criteria: Invitae Variant Classification Sherloc (09022015). Collection method: clinical testing. Allele origin: germline.
Comment: In summary, the available evidence is currently insufficient to determine the role of this variant in disease. Therefore, it has been classified as a Variant of Uncertain Significance. Advanced modeling of protein sequence and biophysical properties (such as structural, functional, and spatial information, amino acid conservation, physicochemical variation, residue mobility, and thermodynamic stability) performed at Invitae indicates that this missense variant is not expected to disrupt PARN protein function. ClinVar contains an entry for this variant (Variation ID: 1450159). This variant has not been reported in the literature in individuals affected with PARN-related conditions. This variant is present in population databases (rs768793595, gnomAD 0.003%). This sequence change replaces asparagine, which is neutral and polar, with serine, which is neutral and polar, at codon 340 of the PARN protein (p.Asn340Ser).